The following is an entry in ClinVar:

NM_052859.4(RFT1):c.275del (p.Leu92fs)

Gene: RFT1 (RFT1 glycolipid translocator homolog; minus strand). Cytogenetic location: 3p21.1.
Variant type: Deletion.
Coding change: c.275del on transcript NM_052859.4 (MANE Select); coding-DNA position 275, one base deleted (T; older notation c.275delT).
Protein change: p.Leu92fs; shifts the reading frame from leucine 92.
Molecular consequence: frameshift variant.
Genome position (GRCh38, 1-based): chr3:53,122,555, A deleted on the plus strand (T on the coding strand, the reverse complement: RFT1 is on the minus strand). VCF-style (leftmost placement, unchanged base first): chr3-53122554-CA-C. GRCh37 (hg19) VCF-style: chr3-53156570-CA-C.
Other names: short protein forms L92fs.
Identifiers: ClinVar variation 1944857 (VCV001944857.5), dbSNP rs2471007649, ClinGen allele CA2580070237.

ClinVar aggregate classification (germline): Uncertain significance (1 of 4 stars; one submission).

Conditions:
RFT1-congenital disorder of glycosylation (CDG1N). Also called: CDG In; Congenital disorder of glycosylation type In; RFT1-CDG. Identifiers: Orphanet 244310, MedGen C2677590, MONDO:0012783, OMIM 612015.

Allele frequency attached by ClinVar (database versions not stated): gnomAD exomes below 0.00001.

Submission:

Labcorp Genetics (formerly Invitae), Labcorp
Classification: Uncertain significance for RFT1-congenital disorder of glycosylation. Last evaluated: 2023-08-10. Review status: criteria provided, single submitter. Criteria: Invitae Variant Classification Sherloc (09022015). Collection method: clinical testing. Allele origin: germline.
Comment: In summary, the available evidence is currently insufficient to determine the role of this variant in disease. Therefore, it has been classified as a Variant of Uncertain Significance. ClinVar contains an entry for this variant (Variation ID: 1944857). This variant has not been reported in the literature in individuals affected with RFT1-related conditions. This variant is not present in population databases (gnomAD no frequency). This sequence change creates a premature translational stop signal (p.Leu92Argfs*44) in the RFT1 gene. It is expected to result in an absent or disrupted protein product. However, the current clinical and genetic evidence is not sufficient to establish whether loss-of-function variants in RFT1 cause disease.